The following is an entry in ClinVar:

NM_000372.5(TYR):c.1223A>T (p.Gln408Leu)

Gene: TYR (tyrosinase; plus strand). Cytogenetic location: 11q14.3.
Variant type: single nucleotide variant.
Coding change: c.1223A>T on transcript NM_000372.5 (MANE Select); coding-DNA position 1223, A replaced by T.
Protein change: p.Gln408Leu; replaces glutamine 408 with leucine.
Molecular consequence: missense variant.
Genome position (GRCh38, 1-based): chr11:89,284,811, A>T. VCF-style: chr11-89284811-A-T. GRCh37 (hg19) VCF-style: chr11-89017979-A-T.
Other names: short protein forms Q408L.
Identifiers: ClinVar variation 1956345 (VCV001956345.2), dbSNP rs1944761913, ClinGen allele CA382077895.

ClinVar aggregate classification (germline): Uncertain significance (1 of 4 stars; one submission).

Allele frequency attached by ClinVar (database versions not stated): gnomAD exomes 0.00001.
gnomAD v4.1: 5 of 1,611,860 alleles (0.00031%); highest among the groups gnomAD compares: Non-Finnish European, 0.00042%; no homozygotes.

Submission:

Labcorp Genetics (formerly Invitae), Labcorp
Classification: Uncertain significance. Last evaluated: 2021-12-24. Review status: criteria provided, single submitter. Criteria: Invitae Variant Classification Sherloc (09022015). Collection method: clinical testing. Allele origin: germline.
Comment: This sequence change replaces glutamine, which is neutral and polar, with leucine, which is neutral and non-polar, at codon 408 of the TYR protein (p.Gln408Leu). This variant is not present in population databases (gnomAD no frequency). This variant has not been reported in the literature in individuals affected with TYR-related conditions. Advanced modeling of protein sequence and biophysical properties (such as structural, functional, and spatial information, amino acid conservation, physicochemical variation, residue mobility, and thermodynamic stability) performed at Invitae indicates that this missense variant is not expected to disrupt TYR protein function. In summary, the available evidence is currently insufficient to determine the role of this variant in disease. Therefore, it has been classified as a Variant of Uncertain Significance.